The following continues an entry in ClinVar:

NM_000038.6(APC):c.6821C>T (p.Ala2274Val)

Gene: APC. ClinVar aggregate classification (germline): Benign/Likely benign. Benign (7); Likely benign (14).

Submissions 21 to 28 of 28:

PreventionGenetics, part of Exact Sciences
Classification: Likely benign. Review status: criteria provided, single submitter. Criteria: ACMG Guidelines, 2015. Collection method: clinical testing. Allele origin: germline.

Counsyl
Classification: Likely benign for Familial adenomatous polyposis 1. Last evaluated: 2018-03-14. Review status: no assertion criteria provided. Collection method: clinical testing. Allele origin: unknown. Not counted in ClinVar's aggregate classification.

Biesecker Lab/Clinical Genomics Section, National Institutes of Health
Classification: Uncertain significance. Last evaluated: 2012-07-13. Review status: no assertion criteria provided. Collection method: research. Allele origin: germline. Affected: no. Observed: 1 variant allele. Study: ClinSeq. Not counted in ClinVar's aggregate classification.
ClinVar note: Converted during submission from variant of unknown significance to Uncertain significance.

Clinical Genetics DNA and cytogenetics Diagnostics Lab, Erasmus MC, Erasmus Medical Center
Classification: Likely benign. Review status: no assertion criteria provided. Collection method: clinical testing. Allele origin: germline. Affected: yes. Study: VKGL Data-share Consensus. Not counted in ClinVar's aggregate classification.

Clinical Genetics Laboratory, Department of Pathology, Netherlands Cancer Institute
Classification: Likely benign. Review status: no assertion criteria provided. Collection method: clinical testing. Allele origin: germline. Affected: yes. Study: VKGL Data-share Consensus. Not counted in ClinVar's aggregate classification.

Clinical Genetics, Academic Medical Center
Classification: Likely benign. Review status: no assertion criteria provided. Collection method: clinical testing. Allele origin: germline. Affected: yes. Study: VKGL Data-share Consensus. Not counted in ClinVar's aggregate classification.

Department of Pathology and Laboratory Medicine, Sinai Health System
Classification: Likely benign for Carcinoma of colon. Review status: no assertion criteria provided. Collection method: clinical testing. Allele origin: unknown. Affected: yes. Study: The Canadian Open Genetics Repository (COGR). Not counted in ClinVar's aggregate classification.
Comment: The APC p.Ala2274Val variant was identified in 3 of 2526 proband chromosomes (frequency: 0.001) from individuals or families with FAP and was not identified in 1938 control chromosomes from healthy individuals (Azzopardi 2008, Johnston 2012). The variant was also identified in dbSNP (ID: rs34919187) as "With Uncertain significance allele", ClinVar (classified as benign by Invitae; as likely benign by nine submitters), COGR, MutDB, LOVD 3.0 (3x), UMD-LSDB (4x as unclassified variant), and in Zhejiang University (1x) database. In UMD the variant was identified with a co-occurring pathogenic APC variant (c.3799dup, p.Thr1267AsnfsX9), increasing the likelihood that the p.Ala2274Val variant does not have clinical significance. The variant was not identified in Cosmic database. The variant was identified in control databases in 295 of 276782 chromosomes at a frequency of 0.001 increasing the likelihood this could be a low frequency benign variant (Genome Aggregation Database Feb 27, 2017). The variant was observed in the following populations: African in 2 of 24012 chromosomes (freq: 0.00008), Other in 14 of 6458 chromosomes (freq: 0.002), Latino in 56 of 34384 chromosomes (freq: 0.002), European in 152 of 126370 chromosomes (freq: 0.001), Ashkenazi Jewish in 66 of 10134 chromosomes (freq: 0.007), and South Asian in 5 of 30780 chromosomes (freq: 0.0002), while the variant was not observed in the East Asian, or Finnish populations. The p.Ala2274 residue is not conserved in mammals and computational analyses (PolyPhen-2, SIFT, AlignGVGD, BLOSUM, MutationTaster) do not suggest a high likelihood of impact to the protein; however, this information is not predictive enough to rule out pathogenicity. The variant occurs outside of the splicing consensus sequence and in silico or computational prediction software programs (SpliceSiteFinder, MaxEntScan, NNSPLICE, GeneSplicer) do not predict a difference in splicing. In summary, based on the above information the clinical significance of this variant cannot be determined with certainty at this time although we would lean towards a more benign role for this variant. This variant is classified as likely benign.

Joint Genome Diagnostic Labs from Nijmegen and Maastricht, Radboudumc and MUMC+
Classification: Likely benign. Review status: no assertion criteria provided. Collection method: clinical testing. Allele origin: germline. Affected: yes. Study: VKGL Data-share Consensus. Not counted in ClinVar's aggregate classification.

Literature cited by the submitters: PubMed 28283864 (cited by 4 submitters); PubMed 28125075 (cited by 4 submitters); PubMed 26332594 (cited by Center for Genomic Medicine, Rigshospitalet, Copenhagen University Hospital and Quest Diagnostics Nichols Institute San Juan Capistrano); PubMed 25085752 (cited by Myriad Genetics, Inc.); PubMed 18199528 (cited by 3 submitters); PubMed 21859464 (cited by Quest Diagnostics Nichols Institute San Juan Capistrano); PubMed 25637381 (cited by Quest Diagnostics Nichols Institute San Juan Capistrano and Sema4); PubMed 21153778 (cited by Quest Diagnostics Nichols Institute San Juan Capistrano); PubMed 28202063 (cited by 3 submitters); PubMed 27600092 (cited by Quest Diagnostics Nichols Institute San Juan Capistrano); PubMed 27621404 (cited by Quest Diagnostics Nichols Institute San Juan Capistrano); PubMed 21995949 (cited by Counsyl); PubMed 26517685 (cited by Counsyl); PubMed 25479140 (cited by Counsyl); PubMed 25203624 (cited by Counsyl).